The following is an entry in ClinVar:

NM_001190787.3(MCIDAS):c.1151C>A (p.Pro384His)

Gene: MCIDAS (multiciliate differentiation and DNA synthesis associated cell cycle protein; minus strand). Cytogenetic location: 5q11.2.
Variant type: single nucleotide variant.
Coding change: c.1151C>A on transcript NM_001190787.3 (MANE Select); coding-DNA position 1151, C replaced by A.
Protein change: p.Pro384His; replaces proline 384 with histidine.
Molecular consequence: missense variant.
Genome position (GRCh38, 1-based): chr5:55,220,373, G>T on the plus strand (C>A on the coding strand, the complement: MCIDAS is on the minus strand). VCF-style: chr5-55220373-G-T. GRCh37 (hg19) VCF-style: chr5-54516201-G-T.
Other names: short protein forms P384H.
Identifiers: ClinVar variation 1502494 (VCV001502494.4), dbSNP rs939457499, ClinGen allele CA118981202.

ClinVar aggregate classification (germline): Likely pathogenic (1 of 4 stars; one submission).

Conditions:
Primary ciliary dyskinesia. Also called: Ciliary dyskinesia. Identifiers: Orphanet 244, MedGen C0008780, MONDO:0016575, HP:0012265.

Allele frequency attached by ClinVar (database versions not stated): gnomAD exomes below 0.00001 and 0.00001; TOPMed 0.00002.
gnomAD v4.1: 2 of 1,534,422 alleles (0.00013%); highest among the groups gnomAD compares: Admixed American, 0.0039%; no homozygotes.

Submission:

Labcorp Genetics (formerly Invitae), Labcorp
Classification: Likely pathogenic for Primary ciliary dyskinesia. Last evaluated: 2025-09-15. Review status: criteria provided, single submitter. Criteria: Invitae Variant Classification Sherloc (09022015). Collection method: clinical testing. Allele origin: germline.
Comment: This sequence change replaces proline, which is neutral and non-polar, with histidine, which is basic and polar, at codon 384 of the MCIDAS protein (p.Pro384His). This variant is present in population databases (no rsID available, gnomAD 0.004%). This missense change has been observed in individual(s) with primary ciliary dyskinesia (internal data). ClinVar contains an entry for this variant (Variation ID: 1502494). Invitae Evidence Modeling of protein sequence and biophysical properties (such as structural, functional, and spatial information, amino acid conservation, physicochemical variation, residue mobility, and thermodynamic stability) has been performed for this missense variant. However, the output from this modeling did not meet the statistical confidence thresholds required to predict the impact of this variant on MCIDAS protein function. Experimental studies have shown that this missense change affects MCIDAS function (external communication). In summary, the currently available evidence indicates that the variant is pathogenic, but additional data are needed to prove that conclusively. Therefore, this variant has been classified as Likely Pathogenic.